The following is an entry in ClinVar:

ClinVar aggregate classification (germline): Uncertain significance (1 of 4 stars; one submission).

Allele frequency attached by ClinVar (database versions not stated): gnomAD exomes below 0.00001; TOPMed below 0.00001.
gnomAD v4.1: 1 of 1,612,524 alleles (0.000062%); highest among the groups gnomAD compares: Non-Finnish European, 0.000085%; no homozygotes.

Submission:

GeneDx
Classification: Uncertain significance. Last evaluated: 2019-04-22. Review status: criteria provided, single submitter. Criteria: GeneDx Variant Classification (06012015). Collection method: clinical testing. Allele origin: germline. Affected: yes.
Comment: Not observed in large population cohorts (Lek et al., 2016) In silico analysis, which includes splice predictors and evolutionary conservation, supports that this variant does not alter protein structure/function Has not been previously published as pathogenic or benign to our knowledge

NM_006015.6(ARID1A):c.1803+5G>C

Gene: ARID1A (AT-rich interaction domain 1A; plus strand). Cytogenetic location: 1p36.11.
Variant type: single nucleotide variant.
Coding change: c.1803+5G>C on transcript NM_006015.6 (MANE Select); 5 bases into the intron after coding-DNA position 1803, G replaced by C.
Molecular consequence: intron variant.
Genome position (GRCh38, 1-based): chr1:26,731,609, G>C. VCF-style: chr1-26731609-G-C. GRCh37 (hg19) VCF-style: chr1-27058100-G-C.
Other names: c.1803+5G>C (NM_139135.4).
Identifiers: ClinVar variation 1173044 (VCV001173044.1), dbSNP rs2080678743, ClinGen allele CA1160197187.